The following is an entry in ClinVar:

NM_181426.2(CCDC39):c.1843_1847del (p.Arg615fs)

Gene: CCDC39 (coiled-coil domain 39 molecular ruler complex subunit; minus strand). Cytogenetic location: 3q26.33.
Variant type: Deletion.
Coding change: c.1843_1847del on transcript NM_181426.2 (MANE Select); coding-DNA positions 1843 to 1847, 5 bases deleted (AGATA; older notation c.1843_1847delAGATA).
Protein change: p.Arg615fs; shifts the reading frame from arginine 615.
Molecular consequence: frameshift variant.
Genome position (GRCh38, 1-based): chr3:180,642,020-180,642,024, TATCT deleted on the plus strand (AGATA on the coding strand, the reverse complement: CCDC39 is on the minus strand); deleting any 5 consecutive bases within chr3:180,642,020-180,642,027 gives the same sequence; the c. name uses the placement nearest the transcript's 3' end. VCF-style (leftmost placement, unchanged base first): chr3-180642019-ATATCT-A. GRCh37 (hg19) VCF-style: chr3-180359807-ATATCT-A.
Other names: short protein forms R615fs.
Identifiers: ClinVar variation 4728765 (VCV004728765.1).

ClinVar aggregate classification (germline): Pathogenic (1 of 4 stars; one submission).

Conditions:
Primary ciliary dyskinesia. Also called: Ciliary dyskinesia. Identifiers: Orphanet 244, MedGen C0008780, MONDO:0016575, HP:0012265.

Submission:

Labcorp Genetics (formerly Invitae), Labcorp
Classification: Pathogenic for Primary ciliary dyskinesia. Last evaluated: 2025-10-13. Review status: criteria provided, single submitter. Criteria: Invitae Variant Classification Sherloc (09022015). Collection method: clinical testing. Allele origin: germline.
Comment: This sequence change creates a premature translational stop signal (p.Arg615Cysfs*2) in the CCDC39 gene. It is expected to result in an absent or disrupted protein product. Loss-of-function variants in CCDC39 are known to be pathogenic (PMID: 21131972, 23255504). This variant is not present in population databases (gnomAD no frequency). This variant has not been reported in the literature in individuals affected with CCDC39-related conditions. For these reasons, this variant has been classified as Pathogenic.

Literature cited by the submitters: PubMed 21131972; PubMed 23255504.